The following is an entry in ClinVar:

NM_001330078.2(NRXN1):c.832+2dup

Gene: NRXN1 (neurexin 1; minus strand). Cytogenetic location: 2p16.3.
Variant type: Duplication.
Coding change: c.832+2dup on transcript NM_001330078.2 (MANE Select); the canonical splice donor site of the intron after coding-DNA position 832, one base duplicated (T; older notation c.832+2dupT).
Molecular consequence: splice donor variant. On other transcripts: intron variant (6).
Genome position (GRCh38, 1-based): chr2:50,921,867, A duplicated on the plus strand (T on the coding strand, the reverse complement: NRXN1 is on the minus strand). VCF-style (leftmost placement, unchanged base first): chr2-50921866-T-TA. GRCh37 (hg19) VCF-style: chr2-51149004-T-TA.
Other names: c.772+105635dup (NM_001330096.2, NM_001330087.2, NM_001330083.2 and 1 more transcripts); c.802+791dup (NM_001330088.2); c.829+2dup (NM_001330093.2, NM_001330079.2); c.820+791dup (NM_001330094.2); c.832+2dup (NM_001330095.2, NM_001330082.2, NM_001330077.2 and 5 more transcripts); c.931+2dup (NM_001135659.3).
Identifiers: ClinVar variation 576277 (VCV000576277.8), dbSNP rs1344399066, ClinGen allele CA532649749.

ClinVar aggregate classification (germline): Uncertain significance. Review status: criteria provided, multiple submitters, no conflicts (2 of 4 stars). 2 submissions from 2 submitters: Uncertain significance (2). Last evaluated 2023-11-27.

Conditions:
Inborn genetic diseases. Identifiers: MedGen C0950123, MeSH D030342.
Pitt-Hopkins-like syndrome 2 (PTHSL2). Identifiers: Orphanet 221150, Orphanet 600663, MedGen C3280479, MONDO:0013690, OMIM 614325.

Allele frequency attached by ClinVar (database versions not stated): gnomAD exomes below 0.00001; gnomAD 0.00001; TOPMed 0.00002.

Submissions (2):

Labcorp Genetics (formerly Invitae), Labcorp
Classification: Uncertain significance for Pitt-Hopkins-like syndrome 2. Last evaluated: 2023-11-27. Review status: criteria provided, single submitter. Criteria: Invitae Variant Classification Sherloc (09022015). Collection method: clinical testing. Allele origin: germline.
Comment: This sequence change falls in intron 6 of the NRXN1 gene. It does not directly change the encoded amino acid sequence of the NRXN1 protein. It affects a nucleotide within the consensus splice site. This variant is not present in population databases (gnomAD no frequency). This variant has not been reported in the literature in individuals affected with NRXN1-related conditions. ClinVar contains an entry for this variant (Variation ID: 576277). Variants that disrupt the consensus splice site are a relatively common cause of aberrant splicing (PMID: 17576681, 9536098). Algorithms developed to predict the effect of sequence changes on RNA splicing suggest that this variant may disrupt the consensus splice site. In summary, the available evidence is currently insufficient to determine the role of this variant in disease. Therefore, it has been classified as a Variant of Uncertain Significance.

Ambry Genetics
Classification: Uncertain significance for Inborn genetic diseases. Last evaluated: 2017-07-05. Review status: criteria provided, single submitter. Criteria: Ambry Variant Classification Scheme 2023. Collection method: clinical testing. Allele origin: germline.
Comment: The c.931+2dupT intronic variant results from a duplication of one nucleotide two nucleotides after coding exon 6 of the NRXN1 gene. This nucleotide position is highly conserved in available vertebrate species. this alteration is predicted to decrease the efficiency of the native splice donor site by the BDGP and ESEfinder in silico models; however, direct evidence is unavailable. Since supporting evidence is limited at this time, the clinical significance of this alteration remains unclear.

Literature cited by the submitters: PubMed 17576681 (cited by Labcorp Genetics (formerly Invitae), Labcorp); PubMed 9536098 (cited by Labcorp Genetics (formerly Invitae), Labcorp).